The following is an entry in ClinVar:

ClinVar aggregate classification (germline): Uncertain significance. Review status: criteria provided, multiple submitters, no conflicts (2 of 4 stars). 3 submissions from 3 submitters: Uncertain significance (3). Last evaluated 2024-05-22.

Conditions:
Osteogenesis imperfecta type I (OI1). Also called: OI, TYPE I; OSTEOGENESIS IMPERFECTA TARDA; OSTEOGENESIS IMPERFECTA WITH BLUE SCLERAE; Lobstein's Disease; Classic Non-deforming Osteogenesis Imperfecta with Blue Sclerae; Osteogenesis imperfecta type 1. Identifiers: Orphanet 216796, Orphanet 666, MedGen C0023931, MONDO:0008146, OMIM 166200. Disease mechanism: loss of function.
Ehlers-Danlos syndrome, classic type, 1 (EDSCL1). Also called: Ehlers-Danlos Syndrome, Classic Type, COL5A1-Related; EDS I; Ehlers-Danlos syndrome, type 1; EHLERS-DANLOS SYNDROME, GRAVIS TYPE; EHLERS-DANLOS SYNDROME, SEVERE CLASSIC TYPE. Identifiers: MedGen C0268335, MONDO:0019567, OMIM 130000.

Allele frequency attached by ClinVar (database versions not stated): TOPMed 0.00001; gnomAD 0.00002.
gnomAD v4.1: 17 of 1,612,944 alleles (0.0011%); highest among the groups gnomAD compares: African/African-American, 0.004%; no homozygotes.

Submissions (3):

Labcorp Genetics (formerly Invitae), Labcorp
Classification: Uncertain significance for Osteogenesis imperfecta type I; Ehlers-Danlos syndrome, classic type, 1. Last evaluated: 2024-05-22. Review status: criteria provided, single submitter. Criteria: Invitae Variant Classification Sherloc (09022015). Collection method: clinical testing. Allele origin: germline.
Comment: This sequence change replaces arginine, which is basic and polar, with histidine, which is basic and polar, at codon 675 of the COL1A2 protein (p.Arg675His). This variant is present in population databases (rs754443174, gnomAD 0.004%). This variant has not been reported in the literature in individuals affected with COL1A2-related conditions. ClinVar contains an entry for this variant (Variation ID: 864026). Experimental studies and prediction algorithms are not available or were not evaluated, and the functional significance of this variant is currently unknown. In summary, the available evidence is currently insufficient to determine the role of this variant in disease. Therefore, it has been classified as a Variant of Uncertain Significance.

GeneDx
Classification: Uncertain significance. Last evaluated: 2023-03-06. Review status: criteria provided, single submitter. Criteria: GeneDx Variant Classification Process June 2021. Collection method: clinical testing. Allele origin: germline. Affected: yes.
Comment: Has not been previously published as pathogenic or benign to our knowledge; Not observed at significant frequency in large population cohorts (gnomAD); Occurs in the triple helical domain at the Y position in the canonical Gly-X-Y repeat; although this variant may have an effect on normal protein folding and function, missense substitution at the Y position is not a common mechanism of disease (HGMD); In silico analysis supports that this missense variant has a deleterious effect on protein structure/function

Blueprint Genetics
Classification: Uncertain significance. Last evaluated: 2020-07-30. Review status: criteria provided, single submitter. Criteria: ACMG Guidelines, 2015. Collection method: clinical testing. Allele origin: germline.

NM_000089.4(COL1A2):c.2024G>A (p.Arg675His)

Gene: COL1A2 (collagen type I alpha 2 chain; plus strand). Cytogenetic location: 7q21.3.
Variant type: single nucleotide variant.
Coding change: c.2024G>A on transcript NM_000089.4 (MANE Select); coding-DNA position 2024, G replaced by A.
Protein change: p.Arg675His; replaces arginine 675 with histidine.
Molecular consequence: missense variant.
Genome position (GRCh38, 1-based): chr7:94,418,551, G>A. VCF-style: chr7-94418551-G-A. GRCh37 (hg19) VCF-style: chr7-94047863-G-A.
Other names: short protein forms R675H.
Identifiers: ClinVar variation 864026 (VCV000864026.12), dbSNP rs754443174, ClinGen allele CA4347258.